The following is an entry in ClinVar:

NM_000023.4(SGCA):c.147T>C (p.Pro49=)

Gene: SGCA (sarcoglycan alpha; plus strand). Cytogenetic location: 17q21.33.
Variant type: single nucleotide variant.
Coding change: c.147T>C on transcript NM_000023.4 (MANE Select); coding-DNA position 147, T replaced by C.
Protein change: p.Pro49=; no amino-acid change (proline 49 retained).
Molecular consequence: synonymous variant. On other transcripts: non-coding transcript variant (1).
Genome position (GRCh38, 1-based): chr17:50,167,477, T>C. VCF-style: chr17-50167477-T-C. GRCh37 (hg19) VCF-style: chr17-48244838-T-C.
Other names: c.147T>C, p.Pro49= (NM_001135697.3).
Identifiers: ClinVar variation 510023 (VCV000510023.9), dbSNP rs745447270, ClinGen allele CA8643700.

ClinVar aggregate classification (germline): Likely benign. Review status: criteria provided, multiple submitters, no conflicts (2 of 4 stars). 3 submissions from 3 submitters: Likely benign (3). Last evaluated 2026-01-17.

Conditions:
Autosomal recessive limb-girdle muscular dystrophy type 2D (LGMDR3). Also called: ADHALINOPATHY, PRIMARY; DUCHENNE-LIKE AUTOSOMAL RECESSIVE MUSCULAR DYSTROPHY, TYPE 2; MUSCULAR DYSTROPHY, LIMB-GIRDLE, AUTOSOMAL RECESSIVE 3. Identifiers: Orphanet 62, MedGen C2936332, MONDO:0011968, OMIM 608099. Disease mechanism: Affects gamma-sarcoglycan and also disrupts the integrity of the entire sarcoglycan complex..

Allele frequency attached by ClinVar (database versions not stated): gnomAD exomes below 0.00001; TOPMed below 0.00001; ExAC 0.00001; gnomAD 0.00001.
gnomAD v4.1: 1 of 1,614,052 alleles (0.000062%); highest among the groups gnomAD compares: Admixed American, 0.0017%; no homozygotes.

Submissions (3):

Labcorp Genetics (formerly Invitae), Labcorp
Classification: Likely benign for Autosomal recessive limb-girdle muscular dystrophy type 2D. Last evaluated: 2026-01-17. Review status: criteria provided, single submitter. Criteria: Invitae Variant Classification Sherloc (09022015). Collection method: clinical testing. Allele origin: germline.

Genome-Nilou Lab
Classification: Likely benign for Autosomal recessive limb-girdle muscular dystrophy type 2D. Last evaluated: 2023-02-08. Review status: criteria provided, single submitter. Criteria: ACMG Guidelines, 2015. Collection method: clinical testing. Allele origin: germline.

GeneDx
Classification: Likely benign. Last evaluated: 2017-06-15. Review status: criteria provided, single submitter. Criteria: GeneDx Variant Classification (06012015). Collection method: clinical testing. Allele origin: germline. Affected: yes.
Comment: This variant is considered likely benign or benign based on one or more of the following criteria: it is a conservative change, it occurs at a poorly conserved position in the protein, it is predicted to be benign by multiple in silico algorithms, and/or has population frequency not consistent with disease.